The following is an entry in ClinVar:

ClinVar aggregate classification (germline): Uncertain significance. Review status: criteria provided, multiple submitters, no conflicts (2 of 4 stars). 2 submissions from 2 submitters: Uncertain significance (2). Last evaluated 2023-05-30.

Allele frequency attached by ClinVar (database versions not stated): gnomAD exomes below 0.00001 and 0.00001; ExAC 0.00001; gnomAD 0.00001.

Submissions (2):

Ambry Genetics
Classification: Uncertain significance. Last evaluated: 2023-05-30. Review status: criteria provided, single submitter. Criteria: Ambry Variant Classification Scheme 2023. Collection method: clinical testing. Allele origin: germline.

Labcorp Genetics (formerly Invitae), Labcorp
Classification: Uncertain significance. Last evaluated: 2019-09-19. Review status: criteria provided, single submitter. Criteria: Invitae Variant Classification Sherloc (09022015). Collection method: clinical testing. Allele origin: germline.
Comment: In summary, the available evidence is currently insufficient to determine the role of this variant in disease. Therefore, it has been classified as a Variant of Uncertain Significance. Algorithms developed to predict the effect of missense changes on protein structure and function are either unavailable or do not agree on the potential impact of this missense change (SIFT: "Tolerated"; PolyPhen-2: "Not Available"; Align-GVGD: "Class C0"). This variant has not been reported in the literature in individuals with KIZ-related conditions. This variant is present in population databases (rs777803516, ExAC 0.006%). This sequence change replaces methionine with threonine at codon 364 of the KIZ protein (p.Met364Thr). The methionine residue is weakly conserved and there is a moderate physicochemical difference between methionine and threonine.

NM_018474.6(KIZ):c.1091T>C (p.Met364Thr)

Gene: KIZ (kizuna centrosomal protein; plus strand). Cytogenetic location: 20p11.23.
Variant type: single nucleotide variant.
Coding change: c.1091T>C on transcript NM_018474.6 (MANE Select); coding-DNA position 1091, T replaced by C.
Protein change: p.Met364Thr; replaces methionine 364 with threonine.
Molecular consequence: missense variant.
Genome position (GRCh38, 1-based): chr20:21,162,898, T>C. VCF-style: chr20-21162898-T-C. GRCh37 (hg19) VCF-style: chr20-21143539-T-C.
Other names: c.782T>C, p.Met261Thr (NM_001163022.3, NM_001352435.2); c.692T>C, p.Met231Thr (NM_001163023.3); c.944T>C, p.Met315Thr (NM_001276389.2); c.1091T>C, p.Met364Thr (NM_001352434.2); c.749T>C, p.Met250Thr (NM_001352436.2); short protein forms M261T, M231T, M315T, M250T, M364T.
Identifiers: ClinVar variation 937868 (VCV000937868.10), dbSNP rs777803516, ClinGen allele CA9784780.